The following is an entry in ClinVar:

NM_182931.3(KMT2E):c.302C>G (p.Ser101Cys)

Gene: KMT2E (lysine methyltransferase 2E (inactive); plus strand). Cytogenetic location: 7q22.3.
Variant type: single nucleotide variant.
Coding change: c.302C>G on transcript NM_182931.3 (MANE Select); coding-DNA position 302, C replaced by G.
Protein change: p.Ser101Cys; replaces serine 101 with cysteine.
Molecular consequence: missense variant.
Genome position (GRCh38, 1-based): chr7:105,063,466, C>G. VCF-style: chr7-105063466-C-G. GRCh37 (hg19) VCF-style: chr7-104703913-C-G.
Other names: c.302C>G, p.Ser101Cys (NM_001410908.1, NM_018682.4); short protein forms S101C.
Identifiers: ClinVar variation 3675944 (VCV003675944.2).

ClinVar aggregate classification (germline): Uncertain significance (1 of 4 stars; one submission).

gnomAD v4.1: 1 of 1,613,606 alleles (0.000062%); highest among the groups gnomAD compares: Non-Finnish European, 0.000085%; no homozygotes.

Submission:

Labcorp Genetics (formerly Invitae), Labcorp
Classification: Uncertain significance. Last evaluated: 2025-01-27. Review status: criteria provided, single submitter. Criteria: Invitae Variant Classification Sherloc (09022015). Collection method: clinical testing. Allele origin: germline.
Comment: This sequence change replaces serine, which is neutral and polar, with cysteine, which is neutral and slightly polar, at codon 101 of the KMT2E protein (p.Ser101Cys). This variant is not present in population databases (gnomAD no frequency). This variant has not been reported in the literature in individuals affected with KMT2E-related conditions. Invitae Evidence Modeling of protein sequence and biophysical properties (such as structural, functional, and spatial information, amino acid conservation, physicochemical variation, residue mobility, and thermodynamic stability) indicates that this missense variant is expected to disrupt KMT2E protein function with a positive predictive value of 80%. In summary, the available evidence is currently insufficient to determine the role of this variant in disease. Therefore, it has been classified as a Variant of Uncertain Significance.